The following is an entry in ClinVar:

ClinVar aggregate classification (germline): Pathogenic/Likely pathogenic. Review status: criteria provided, multiple submitters, no conflicts (2 of 4 stars). 8 submissions from 8 submitters: Pathogenic (3); Likely pathogenic (4). 1 of the submissions does not count toward it. Last evaluated 2026-07-17.

Conditions:
WFS1-related disorder. Identifiers: MedGen CN379391, MONDO:0700293.
Inborn genetic diseases. Identifiers: MedGen C0950123, MeSH D030342.
Wolfram syndrome 1 (WFS1). Identifiers: Orphanet 3463, MedGen C4551693, MONDO:0009101, OMIM 222300.
Wolfram-like syndrome. Also called: HEARING LOSS, PROGRESSIVE, WITH OPTIC ATROPHY AND/OR IMPAIRED GLUCOSE REGULATION. Identifiers: Orphanet 411590, MedGen C3280358, MONDO:0013673, OMIM 614296.
Type 2 diabetes mellitus. Also called: Type II diabetes mellitus. Identifiers: MedGen C0011860, MeSH D003924, MONDO:0005148, OMIM 125853, HP:0005978.
Cataract 41 (CTRCT41). Also called: CATARACT 41, CONGENITAL NUCLEAR TYPE. Identifiers: Orphanet 91492, Orphanet 98991, Orphanet 98992, Orphanet 98995, MedGen C3805412, MONDO:0007287, OMIM 116400.
Autosomal dominant nonsyndromic hearing loss 6 (LFSNHL). Also called: DEAFNESS, AUTOSOMAL DOMINANT 6; DEAFNESS, AUTOSOMAL DOMINANT 14; DEAFNESS, AUTOSOMAL DOMINANT 38; Autosomal dominant nonsyndromic deafness 6. Identifiers: Orphanet 90635, MedGen C1833021, MONDO:0010963, OMIM 600965.

Allele frequency attached by ClinVar (database versions not stated): ExAC 0.00002; gnomAD exomes 0.00002; gnomAD 0.00004 and 0.00005; TOPMed 0.00004; ESP Exome Variant Server 0.00008.
gnomAD v4.1: 29 of 1,612,016 alleles (0.0018%); highest among the groups gnomAD compares: Non-Finnish European, 0.0023%; no homozygotes.

Submissions (8):

Metabolic Disorders Research Center, Endocrinology and Metabolism Molecular-Cellular Sciences, Tehran University of Medical Sciences
Classification: Likely pathogenic for Wolfram syndrome 1. Last evaluated: 2026-07-17. Review status: criteria provided, single submitter. Criteria: ACMG Guidelines, 2015. Collection method: clinical testing. Allele origin: germline. Inheritance: Autosomal recessive inheritance. Affected: yes. Observed: 1 variant allele.
Comment: Located in the N-terminal domain of wolframin. Evidence codes: PS4, PM2, PP3

Labcorp Genetics (formerly Invitae), Labcorp
Classification: Pathogenic. Last evaluated: 2025-10-29. Review status: criteria provided, single submitter. Criteria: Invitae Variant Classification Sherloc (09022015). Collection method: clinical testing. Allele origin: germline.
Comment: This sequence change replaces aspartic acid, which is acidic and polar, with asparagine, which is neutral and polar, at codon 211 of the WFS1 protein (p.Asp211Asn). This variant also falls at the last nucleotide of exon 5, which is part of the consensus splice site for this exon. This variant is present in population databases (rs138682654, gnomAD 0.004%). This missense change has been observed in individuals with autosomal recessive Wolfram syndrome (PMID: 12707373, 22781099, 23981289). It has also been observed to segregate with disease in related individuals. ClinVar contains an entry for this variant (Variation ID: 215378). An algorithm developed to predict the effect of missense changes on protein structure and function (PolyPhen-2) suggests that this variant is likely to be disruptive. Variants that disrupt the consensus splice site are a relatively common cause of aberrant splicing (PMID: 17576681, 9536098). Algorithms developed to predict the effect of sequence changes on RNA splicing suggest that this variant may disrupt the consensus splice site. For these reasons, this variant has been classified as Pathogenic.

Fulgent Genetics
Classification: Pathogenic for Cataract 41; Type 2 diabetes mellitus; Wolfram syndrome 1; Autosomal dominant nonsyndromic hearing loss 6; Wolfram-like syndrome. Last evaluated: 2024-06-12. Review status: criteria provided, single submitter. Criteria: ACMG Guidelines, 2015. Collection method: clinical testing. Allele origin: germline.

Blueprint Genetics
Classification: Pathogenic for WFS1-related disorders. Last evaluated: 2024-06-06. Review status: criteria provided, single submitter. Criteria: ACMG Guidelines, 2015. Collection method: clinical testing. Allele origin: germline. Affected: yes. Observed: 5 variant alleles.

GeneDx
Classification: Likely pathogenic. Last evaluated: 2023-08-29. Review status: criteria provided, single submitter. Criteria: GeneDx Variant Classification Process June 2021. Collection method: clinical testing. Allele origin: germline. Affected: yes.
Comment: In silico analysis supports that this missense variant does not alter protein structure/function; In silico analysis suggests this variant may impact gene splicing. In the absence of RNA/functional studies, the actual effect of this sequence change is unknown.; This variant is associated with the following publications: (PMID: 22781099, 14676474, 23981289, 26025012, 12707373, 31313226)

Ambry Genetics
Classification: Likely pathogenic for Inborn genetic diseases. Last evaluated: 2022-05-31. Review status: criteria provided, single submitter. Criteria: Ambry Variant Classification Scheme 2023. Collection method: clinical testing. Allele origin: germline.
Comment: The c.631G>A (p.D211N) alteration is located in exon 5 (coding exon 4) of the WFS1 gene. This alteration results from a G to A substitution at nucleotide position 631, causing the aspartic acid (D) at amino acid position 211 to be replaced by an asparagine (N). However, this change occurs in the last base pair of coding exon 4, which makes it likely to have some effect on normal mRNA splicing.Based on the available evidence, the WFS1 c.631G>A (p.D211N) alteration is classified as pathogenic for autosomal recessive WFS1-related Wolfram syndrome; however, it is unlikely to be causative of autosomal dominant WFS1-related Wolfram syndrome and its clinical significance for autosomal dominant isolated WFS1-related low frequency sensorineural hearing loss is unclear. Based on data from gnomAD, the A allele has an overall frequency of <0.01% (5/278152) total alleles studied. The highest observed frequency was <0.01% (5/126622) of European (non-Finnish) alleles. This alteration was detected in the homozygous state, and in conjunction with other WFS1 alterations, in multiple individuals with autosomal recessive WFS1-related Wolfram syndrome (Marshall, 2013; van ven Ouweland, 2003; Haghighi, 2013; Sobhani, 2019). Based on the available evidence, this alteration is classified as likely pathogenic.

Juno Genomics, Hangzhou Juno Genomics, Inc
Classification: Likely pathogenic for Wolfram syndrome 1. Review status: criteria provided, single submitter. Criteria: ACMG Guidelines, 2015. Collection method: clinical testing. Allele origin: germline.
Comment: Absent from controls (or at extremely low frequency if recessive) in Genome Aggregation Database.;Multiple lines of computational evidence support a deleterious effect on the gene or gene product.;For recessive disorders, detected in trans with a pathogenic variant.;Co-segregation with disease in multiple affected family members.;Patient's phenotype or family history is highly specific for a disease with a single genetic etiology.

PreventionGenetics, part of Exact Sciences
Classification: Likely pathogenic for WFS1-related condition. Last evaluated: 2024-09-11. Review status: no assertion criteria provided. Collection method: clinical testing. Allele origin: germline. Not counted in ClinVar's aggregate classification.
Comment: The WFS1 c.631G>A variant is predicted to result in the amino acid substitution p.Asp211Asn. This variant has been reported in the homozygous and compound heterozygous states in multiple individuals with Wolfram syndrome (van den Ouweland et al. 2003. PubMed ID: 12707373; Haghighi et al. 2012. PubMed ID: 22781099; Marshall et al. 2013. PubMed ID: 23981289) and also in the heterozygous state in an individual with Wolfram-like syndrome (Table S1, Schlottmann et al. 2023. PubMed ID: 37217489). This variant is reported in 0.0039% of alleles in individuals of European (non-Finnish) descent in gnomAD. This variant occurs in the last nucleotide of exon 5 and is predicted to weaken the canonical splice donor site based on available splicing prediction programs (SpliceAI, Jaganathan K, et al. 2019. PubMed ID: 30661751). However, the use of computer prediction programs is not equivalent to functional evidence. This variant is interpreted as likely pathogenic.

Literature cited by the submitters: PubMed 12707373 (cited by Labcorp Genetics (formerly Invitae), Labcorp and Ambry Genetics); PubMed 22781099 (cited by Labcorp Genetics (formerly Invitae), Labcorp and Ambry Genetics); PubMed 23981289 (cited by Labcorp Genetics (formerly Invitae), Labcorp and Ambry Genetics); PubMed 17576681 (cited by Labcorp Genetics (formerly Invitae), Labcorp); PubMed 9536098 (cited by Labcorp Genetics (formerly Invitae), Labcorp); PubMed 31313226 (cited by Ambry Genetics).

NM_006005.3(WFS1):c.631G>A (p.Asp211Asn)

Gene: WFS1 (wolframin ER transmembrane glycoprotein; plus strand). Cytogenetic location: 4p16.1.
Variant type: single nucleotide variant.
Coding change: c.631G>A on transcript NM_006005.3 (MANE Select); coding-DNA position 631, G replaced by A.
Protein change: p.Asp211Asn; replaces aspartic acid 211 with asparagine.
Molecular consequence: missense variant.
Genome position (GRCh38, 1-based): chr4:6,291,367, G>A. VCF-style: chr4-6291367-G-A. GRCh37 (hg19) VCF-style: chr4-6293094-G-A.
Other names: p.D211N:GAT>AAT; c.631G>A, p.Asp211Asn (NM_001145853.1); short protein forms D211N.
Identifiers: ClinVar variation 215378 (VCV000215378.19), dbSNP rs138682654, ClinGen allele CA320894.